The following is an entry in ClinVar:

ClinVar aggregate classification (germline): Likely pathogenic (1 of 4 stars; one submission).

Submission:

Labcorp Genetics (formerly Invitae), Labcorp
Classification: Likely pathogenic. Last evaluated: 2023-11-13. Review status: criteria provided, single submitter. Criteria: Invitae Variant Classification Sherloc (09022015). Collection method: clinical testing. Allele origin: unknown.
Comment: This variant results in the deletion of exons 29-35 and part of exon 28 (c.5931_7691-40delinsCCCACGTC) of the PCNT gene. It is expected to disrupt RNA splicing. Variants that disrupt the donor or acceptor splice site typically lead to a loss of protein function (PMID: 16199547), and loss-of-function variants in PCNT are known to be pathogenic (PMID: 18174396, 22821869). This variant has not been reported in the literature in individuals affected with PCNT-related conditions. In summary, the currently available evidence indicates that the variant is pathogenic, but additional data are needed to prove that conclusively. Therefore, this variant has been classified as Likely Pathogenic.

Literature cited by the submitters: PubMed 16199547; PubMed 18174396; PubMed 22821869.

NC_000021.8:g.(?_47831918)_(47849884_?)del

Gene: PCNT (pericentrin; plus strand). Cytogenetic location: 21q22.3.
Variant type: Deletion.
Identifiers: ClinVar variation 3248198 (VCV003248198.1).